The following is an entry in ClinVar:

ClinVar aggregate classification (germline): Uncertain significance (1 of 4 stars; one submission).

Conditions:
Dyskeratosis congenita. Identifiers: Orphanet 1775, MedGen C0265965, MONDO:0015780.

gnomAD v4.1: 2 of 1,612,910 alleles (0.00012%); highest among the groups gnomAD compares: East Asian, 0.0022%; no homozygotes.

Submission:

Ambry Genetics
Classification: Uncertain significance for Dyskeratosis congenita. Last evaluated: 2026-08-23. Review status: criteria provided, single submitter. Criteria: Ambry Variant Classification Scheme 2023. Collection method: clinical testing. Allele origin: germline.
Comment: The p.H779Y variant (also known as c.2335C>T), located in coding exon 7 of the TERT gene, results from a C to T substitution at nucleotide position 2335. The histidine at codon 779 is replaced by tyrosine, an amino acid with similar properties. This amino acid position is conserved. In addition, the in silico prediction for this alteration is inconclusive. Based on the available evidence, the clinical significance of this variant remains unclear.

NM_198253.3(TERT):c.2335C>T (p.His779Tyr)

Gene: TERT (telomerase reverse transcriptase; minus strand). Cytogenetic location: 5p15.33.
Variant type: single nucleotide variant.
Coding change: c.2335C>T on transcript NM_198253.3 (MANE Select); coding-DNA position 2335, C replaced by T.
Protein change: p.His779Tyr; replaces histidine 779 with tyrosine.
Molecular consequence: missense variant.
Genome position (GRCh38, 1-based): chr5:1,272,232, G>A on the plus strand (C>T on the coding strand, the complement: TERT is on the minus strand). VCF-style: chr5-1272232-G-A. GRCh37 (hg19) VCF-style: chr5-1272347-G-A.
Other names: c.2335C>T, p.His779Tyr (NM_001193376.3); short protein forms H779Y.
Identifiers: ClinVar variation 5030663 (VCV005030663.1).